The following is an entry in ClinVar:

ClinVar aggregate classification (germline): Uncertain significance. Review status: criteria provided, multiple submitters, no conflicts (2 of 4 stars). 3 submissions from 3 submitters: Uncertain significance (3). Last evaluated 2025-10-07.

Conditions:
Developmental delay, hypotonia, musculoskeletal defects, and behavioral abnormalities. Identifiers: MedGen C5562012, MONDO:0859202, OMIM 619595.
Floating-Harbor syndrome (FLHS). Also called: SRCAP-Related Floating-Harbor Syndrome; Short stature with delayed bone age, expressive language delay, a triangular face with a prominent nose and deep-set eyes; Pelletier-Leisti syndrome. Identifiers: Orphanet 2044, MedGen C0729582, MONDO:0007621, OMIM 136140.
Inborn genetic diseases. Identifiers: MedGen C0950123, MeSH D030342.

Allele frequency attached by ClinVar (database versions not stated): gnomAD exomes below 0.00001; ExAC 0.00001; gnomAD 0.00002; TOPMed 0.00003.
gnomAD v4.1: 6 of 1,614,002 alleles (0.00037%); highest among the groups gnomAD compares: African/African-American, 0.0053%; no homozygotes.

Submissions (3):

Ambry Genetics
Classification: Uncertain significance for Inborn genetic diseases. Last evaluated: 2025-10-07. Review status: criteria provided, single submitter. Criteria: Ambry Variant Classification Scheme 2023. Collection method: clinical testing. Allele origin: germline.

Labcorp Genetics (formerly Invitae), Labcorp
Classification: Uncertain significance. Last evaluated: 2025-02-02. Review status: criteria provided, single submitter. Criteria: Invitae Variant Classification Sherloc (09022015). Collection method: clinical testing. Allele origin: germline.
Comment: This sequence change replaces glutamic acid, which is acidic and polar, with glycine, which is neutral and non-polar, at codon 2666 of the SRCAP protein (p.Glu2666Gly). This variant is present in population databases (rs778191174, gnomAD 0.01%). This variant has not been reported in the literature in individuals affected with SRCAP-related conditions. ClinVar contains an entry for this variant (Variation ID: 1912295). Invitae Evidence Modeling of protein sequence and biophysical properties (such as structural, functional, and spatial information, amino acid conservation, physicochemical variation, residue mobility, and thermodynamic stability) indicates that this missense variant is not expected to disrupt SRCAP protein function with a negative predictive value of 80%. In summary, the available evidence is currently insufficient to determine the role of this variant in disease. Therefore, it has been classified as a Variant of Uncertain Significance.

Fulgent Genetics
Classification: Uncertain significance for Floating-Harbor syndrome; Developmental delay, hypotonia, musculoskeletal defects, and behavioral abnormalities. Last evaluated: 2024-05-10. Review status: criteria provided, single submitter. Criteria: ACMG Guidelines, 2015. Collection method: clinical testing. Allele origin: germline.

NM_006662.3(SRCAP):c.7997A>G (p.Glu2666Gly)

Gene: SRCAP (Snf2 related CREBBP activator protein; plus strand). Cytogenetic location: 16p11.2.
Variant type: single nucleotide variant.
Coding change: c.7997A>G on transcript NM_006662.3 (MANE Select); coding-DNA position 7997, A replaced by G.
Protein change: p.Glu2666Gly; replaces glutamic acid 2666 with glycine.
Molecular consequence: missense variant.
Genome position (GRCh38, 1-based): chr16:30,738,037, A>G. VCF-style: chr16-30738037-A-G. GRCh37 (hg19) VCF-style: chr16-30749358-A-G.
Other names: c.7997A>G (NM_006662.2); short protein forms E2666G.
Identifiers: ClinVar variation 1912295 (VCV001912295.7), dbSNP rs778191174, ClinGen allele CA8012591.